The following is an entry in ClinVar:

NM_000431.4(MVK):c.952C>A (p.Leu318Ile)

Gene: MVK (mevalonate kinase; plus strand). Cytogenetic location: 12q24.11.
Variant type: single nucleotide variant.
Coding change: c.952C>A on transcript NM_000431.4 (MANE Select); coding-DNA position 952, C replaced by A.
Protein change: p.Leu318Ile; replaces leucine 318 with isoleucine.
Molecular consequence: missense variant. On other transcripts: non-coding transcript variant (4).
Genome position (GRCh38, 1-based): chr12:109,595,094, C>A. VCF-style: chr12-109595094-C-A. GRCh37 (hg19) VCF-style: chr12-110032899-C-A.
Other names: c.952C>A, p.Leu318Ile (NM_001114185.3, NM_001414511.1, NM_001414513.1); c.796C>A, p.Leu266Ile (NM_001301182.2, NM_001414514.1); c.1027C>A, p.Leu343Ile (NM_001414512.1); c.370C>A, p.Leu124Ile (NM_001414515.1); short protein forms L124I, L266I, L318I, L343I.
Identifiers: ClinVar variation 3757116 (VCV003757116.2).

ClinVar aggregate classification (germline): Uncertain significance (1 of 4 stars; one submission).

Conditions:
Mevalonic aciduria (MEVA). Identifiers: Orphanet 29, MedGen C1959626, MONDO:0012481, OMIM 610377.
Porokeratosis 3, disseminated superficial actinic type (POROK3). Also called: POROKERATOSIS 3, MULTIPLE TYPES; POROKERATOSIS 3, MIBELLI TYPE; POROKERATOSIS, DISSEMINATED SUPERFICIAL ACTINIC, 1. Identifiers: MedGen C1867981, MONDO:0008293, OMIM 175900.
Hyperimmunoglobulin D with periodic fever (HIDS). Also called: HYPERIMMUNOGLOBULINEMIA D AND PERIODIC FEVER SYNDROME; Hyperimmunoglobulinemia D; Hyperimmunoglobulinemia D with periodic fever. Identifiers: Orphanet 343, MedGen C0398691, MONDO:0009849, OMIM 260920.

Submission:

Labcorp Genetics (formerly Invitae), Labcorp
Classification: Uncertain significance for Mevalonic aciduria; Hyperimmunoglobulin D with periodic fever; Porokeratosis 3, disseminated superficial actinic type. Last evaluated: 2024-07-02. Review status: criteria provided, single submitter. Criteria: Invitae Variant Classification Sherloc (09022015). Collection method: clinical testing. Allele origin: germline.
Comment: This sequence change replaces leucine, which is neutral and non-polar, with isoleucine, which is neutral and non-polar, at codon 318 of the MVK protein (p.Leu318Ile). This variant is not present in population databases (gnomAD no frequency). This variant has not been reported in the literature in individuals affected with MVK-related conditions. Advanced modeling of protein sequence and biophysical properties (such as structural, functional, and spatial information, amino acid conservation, physicochemical variation, residue mobility, and thermodynamic stability) performed at Invitae indicates that this missense variant is not expected to disrupt MVK protein function with a negative predictive value of 80%. In summary, the available evidence is currently insufficient to determine the role of this variant in disease. Therefore, it has been classified as a Variant of Uncertain Significance.